The following is an entry in ClinVar:

NM_001927.4(DES):c.466G>C (p.Glu156Gln)

Gene: DES (desmin; plus strand). Cytogenetic location: 2q35.
Variant type: single nucleotide variant.
Coding change: c.466G>C on transcript NM_001927.4 (MANE Select); coding-DNA position 466, G replaced by C.
Protein change: p.Glu156Gln; replaces glutamic acid 156 with glutamine.
Molecular consequence: missense variant.
Genome position (GRCh38, 1-based): chr2:219,418,928, G>C. VCF-style: chr2-219418928-G-C. GRCh37 (hg19) VCF-style: chr2-220283650-G-C.
Other names: c.466G>C, p.Glu156Gln (NM_001382708.1, NM_001382709.1, NM_001382710.1 and 3 more transcripts); short protein forms E156Q.
Identifiers: ClinVar variation 1385561 (VCV001385561.6), dbSNP rs765471098, ClinGen allele CA350686456.
Genomic context (GRCh38, chr2:219,418,928, plus strand): 5'-CTCGCCGCCGAAGTGAACCGGCTCAAGGGCCGCGAGCCGACGCGAGTGGCCGAGCTCTAC[G>C]AGGAGGAGCTGCGGGAGCTGCGGCGCCAGGTGGAGGTGCTCACTAACCAGCGCGCGCGCG-3'
Protein context (NP_001918.3, residues 146-166): REPTRVAELY[Glu156Gln]EELRELRRQV

ClinVar aggregate classification (germline): Uncertain significance (1 of 4 stars; one submission).

Conditions:
Desmin-related myofibrillar myopathy (MFM1). Also called: Desmin related myopathy (former name); Desmin storage myopathy (former name); Myofibrillar myopathy 1; MYOFIBRILLAR MYOPATHY WITH ARRHYTHMOGENIC RIGHT VENTRICULAR CARDIOMYOPATHY; DESMIN-RELATED MYOPATHY WITH ARRHYTHMOGENIC RIGHT VENTRICULAR CARDIOMYOPATHY; Desminopathy. Identifiers: Orphanet 363543, Orphanet 98909, MedGen C1832370, MONDO:0011076, OMIM 601419.

Submission:

Labcorp Genetics (formerly Invitae), Labcorp
Classification: Uncertain significance for Desmin-related myofibrillar myopathy. Last evaluated: 2021-10-09. Review status: criteria provided, single submitter. Criteria: Invitae Variant Classification Sherloc (09022015). Collection method: clinical testing. Allele origin: germline.
Comment: In summary, the available evidence is currently insufficient to determine the role of this variant in disease. Therefore, it has been classified as a Variant of Uncertain Significance. Algorithms developed to predict the effect of missense changes on protein structure and function are either unavailable or do not agree on the potential impact of this missense change (SIFT: "Deleterious"; PolyPhen-2: "Possibly Damaging"; Align-GVGD: "Class C0"). This variant has not been reported in the literature in individuals affected with DES-related conditions. The frequency data for this variant in the population databases is considered unreliable, as metrics indicate insufficient coverage at this position in the ExAC database. This sequence change replaces glutamic acid with glutamine at codon 156 of the DES protein (p.Glu156Gln). The glutamic acid residue is highly conserved and there is a small physicochemical difference between glutamic acid and glutamine.